The following is an entry in ClinVar:

NM_001291303.3(FAT4):c.10598A>T (p.Gln3533Leu)

Gene: FAT4 (FAT atypical cadherin 4; plus strand). Cytogenetic location: 4q28.1.
Variant type: single nucleotide variant.
Coding change: c.10598A>T on transcript NM_001291303.3 (MANE Select); coding-DNA position 10598, A replaced by T.
Protein change: p.Gln3533Leu; replaces glutamine 3533 with leucine.
Molecular consequence: missense variant.
Genome position (GRCh38, 1-based): chr4:125,451,608, A>T. VCF-style: chr4-125451608-A-T. GRCh37 (hg19) VCF-style: chr4-126372763-A-T.
Other names: c.10598A>T, p.Gln3533Leu (NM_001291285.3); c.10592A>T, p.Gln3531Leu (NM_024582.6); short protein forms Q3531L, Q3533L.
Identifiers: ClinVar variation 3019637 (VCV003019637.1), dbSNP rs1234016779, ClinGen allele CA358159085.
Genomic context (GRCh38, chr4:125,451,608, plus strand): 5'-CTGTCAGTGAAGGAGAAGTCATGGAAAACAAACGGCCAGGCACTTTGGTGATGACCCTTC[A>T]GTCCACTGACCCTGATCTCCCTCCAAATCAAGGTCCCTTTACTTATTACTTGCTGAGCAC-3'
Protein context (NP_001278232.1, residues 3523-3543): KRPGTLVMTL[Gln3533Leu]STDPDLPPNQ

ClinVar aggregate classification (germline): Uncertain significance (1 of 4 stars; one submission).

Allele frequency attached by ClinVar (database versions not stated): gnomAD exomes below 0.00001; TOPMed below 0.00001; gnomAD 0.00001.
gnomAD v4.1: 4 of 1,614,016 alleles (0.00025%); highest among the groups gnomAD compares: Non-Finnish European, 0.00025%; no homozygotes.

Submission:

Labcorp Genetics (formerly Invitae), Labcorp
Classification: Uncertain significance. Last evaluated: 2022-05-12. Review status: criteria provided, single submitter. Criteria: Invitae Variant Classification Sherloc (09022015). Collection method: clinical testing. Allele origin: germline.
Comment: This sequence change replaces glutamine, which is neutral and polar, with leucine, which is neutral and non-polar, at codon 3531 of the FAT4 protein (p.Gln3531Leu). This variant is not present in population databases (gnomAD no frequency). This variant has not been reported in the literature in individuals affected with FAT4-related conditions. Advanced modeling of protein sequence and biophysical properties (such as structural, functional, and spatial information, amino acid conservation, physicochemical variation, residue mobility, and thermodynamic stability) performed at Invitae indicates that this missense variant is not expected to disrupt FAT4 protein function. In summary, the available evidence is currently insufficient to determine the role of this variant in disease. Therefore, it has been classified as a Variant of Uncertain Significance.